The following is an entry in ClinVar:

ClinVar aggregate classification (germline): Pathogenic (1 of 4 stars; one submission).

Allele frequency attached by ClinVar (database versions not stated): gnomAD 0.00004 and 0.00003; gnomAD exomes 0.00001; TOPMed 0.00003.
gnomAD v4.1: 16 of 1,614,032 alleles (0.00099%); highest among the groups gnomAD compares: African/African-American, 0.008%; no homozygotes.

Submission:

Labcorp Genetics (formerly Invitae), Labcorp
Classification: Pathogenic. Last evaluated: 2025-05-05. Review status: criteria provided, single submitter. Criteria: Invitae Variant Classification Sherloc (09022015). Collection method: clinical testing. Allele origin: germline.
Comment: This sequence change creates a premature translational stop signal (p.Arg207*) in the RGS9 gene. It is expected to result in an absent or disrupted protein product. Loss-of-function variants in RGS9 are known to be pathogenic (PMID: 11262419, 14702087). This variant is present in population databases (no rsID available, gnomAD 0.008%). This variant has not been reported in the literature in individuals affected with RGS9-related conditions. ClinVar contains an entry for this variant (Variation ID: 1417337). For these reasons, this variant has been classified as Pathogenic.

Literature cited by the submitters: PubMed 11262419; PubMed 14702087.

NM_003835.4(RGS9):c.619C>T (p.Arg207Ter)

Gene: RGS9 (regulator of G protein signaling 9; plus strand). Cytogenetic location: 17q24.1.
Variant type: single nucleotide variant.
Coding change: c.619C>T on transcript NM_003835.4 (MANE Select); coding-DNA position 619, C replaced by T.
Protein change: p.Arg207Ter; replaces arginine 207 with a stop codon.
Molecular consequence: nonsense.
Genome position (GRCh38, 1-based): chr17:65,177,768, C>T. VCF-style: chr17-65177768-C-T. GRCh37 (hg19) VCF-style: chr17-63173886-C-T.
Other names: c.619C>T, p.Arg207Ter (NM_001081955.3, NM_001165933.2); short protein forms R207*.
Identifiers: ClinVar variation 1417337 (VCV001417337.6), dbSNP rs1420558923, ClinGen allele CA400660865.